The following is an entry in ClinVar:

ClinVar aggregate classification (germline): Uncertain significance (1 of 4 stars; one submission).

Allele frequency attached by ClinVar (database versions not stated): gnomAD exomes below 0.00001.
gnomAD v4.1: 2 of 1,551,382 alleles (0.00013%); highest among the groups gnomAD compares: Non-Finnish European, 0.000087%; no homozygotes.

Submission:

Labcorp Genetics (formerly Invitae), Labcorp
Classification: Uncertain significance. Last evaluated: 2022-07-06. Review status: criteria provided, single submitter. Criteria: Invitae Variant Classification Sherloc (09022015). Collection method: clinical testing. Allele origin: germline.
Comment: This variant is not present in population databases (gnomAD no frequency). This variant has not been reported in the literature in individuals affected with UNC80-related conditions. ClinVar contains an entry for this variant (Variation ID: 1363210). Algorithms developed to predict the effect of missense changes on protein structure and function are either unavailable or do not agree on the potential impact of this missense change (SIFT: "Not Available"; PolyPhen-2: "Probably Damaging"; Align-GVGD: "Not Available"). In summary, the available evidence is currently insufficient to determine the role of this variant in disease. Therefore, it has been classified as a Variant of Uncertain Significance. This sequence change replaces proline with alanine at codon 3102 of the UNC80 protein (p.Pro3102Ala). The proline residue is weakly conserved and there is a small physicochemical difference between proline and alanine.

NM_001371986.1(UNC80):c.9502C>G (p.Pro3168Ala)

Gene: UNC80 (unc-80 subunit of NALCN channel complex; plus strand). Cytogenetic location: 2q34.
Variant type: single nucleotide variant.
Coding change: c.9502C>G on transcript NM_001371986.1 (MANE Select); coding-DNA position 9502, C replaced by G.
Protein change: p.Pro3168Ala; replaces proline 3168 with alanine.
Molecular consequence: missense variant.
Genome position (GRCh38, 1-based): chr2:209,993,420, C>G. VCF-style: chr2-209993420-C-G. GRCh37 (hg19) VCF-style: chr2-210858144-C-G.
Other names: c.9304C>G, p.Pro3102Ala (NM_032504.2); c.9232C>G, p.Pro3078Ala (NM_182587.4); short protein forms P3102A, P3078A, P3168A.
Identifiers: ClinVar variation 1363210 (VCV001363210.8), dbSNP rs2125033859, ClinGen allele CA350415654.